The following is an entry in ClinVar:

ClinVar aggregate classification (germline): Uncertain significance. Review status: criteria provided, multiple submitters, no conflicts (2 of 4 stars). 2 submissions from 2 submitters: Uncertain significance (2). Last evaluated 2025-07-01.

Allele frequency attached by ClinVar (database versions not stated): gnomAD exomes below 0.00001; gnomAD 0.00002; TOPMed 0.00002.
gnomAD v4.1: 8 of 1,613,790 alleles (0.0005%); highest among the groups gnomAD compares: African/African-American, 0.0013%; no homozygotes.

Submissions (2):

Ambry Genetics
Classification: Uncertain significance. Last evaluated: 2025-07-01. Review status: criteria provided, single submitter. Criteria: Ambry Variant Classification Scheme 2023. Collection method: clinical testing. Allele origin: germline.

Labcorp Genetics (formerly Invitae), Labcorp
Classification: Uncertain significance. Last evaluated: 2022-06-13. Review status: criteria provided, single submitter. Criteria: Invitae Variant Classification Sherloc (09022015). Collection method: clinical testing. Allele origin: germline.
Comment: This variant has not been reported in the literature in individuals affected with ADGRA3-related conditions. This variant is not present in population databases (gnomAD no frequency). This sequence change replaces cysteine, which is neutral and slightly polar, with tryptophan, which is neutral and slightly polar, at codon 214 of the ADGRA3 protein (p.Cys214Trp). ClinVar contains an entry for this variant (Variation ID: 1026980). In summary, the available evidence is currently insufficient to determine the role of this variant in disease. Therefore, it has been classified as a Variant of Uncertain Significance. Algorithms developed to predict the effect of sequence changes on RNA splicing suggest that this variant may create or strengthen a splice site. Algorithms developed to predict the effect of missense changes on protein structure and function are either unavailable or do not agree on the potential impact of this missense change (SIFT: "Deleterious"; PolyPhen-2: "Possibly Damaging"; Align-GVGD: "Class C15").

NM_145290.4(ADGRA3):c.642T>G (p.Cys214Trp)

Gene: ADGRA3 (adhesion G protein-coupled receptor A3; minus strand). Cytogenetic location: 4p15.2.
Variant type: single nucleotide variant.
Coding change: c.642T>G on transcript NM_145290.4 (MANE Select); coding-DNA position 642, T replaced by G.
Protein change: p.Cys214Trp; replaces cysteine 214 with tryptophan.
Molecular consequence: missense variant.
Genome position (GRCh38, 1-based): chr4:22,445,037, A>C on the plus strand (T>G on the coding strand, the complement: ADGRA3 is on the minus strand). VCF-style: chr4-22445037-A-C. GRCh37 (hg19) VCF-style: chr4-22446660-A-C.
Other names: c.642T>G (NM_145290.2); short protein forms C214W.
Identifiers: ClinVar variation 1026980 (VCV001026980.11), dbSNP rs1264172149, ClinGen allele CA356478371.